The following is an entry in ClinVar:

ClinVar aggregate classification (germline): Uncertain significance. Review status: criteria provided, multiple submitters, no conflicts (2 of 4 stars). 4 submissions from 4 submitters: Uncertain significance (3). 1 of the submissions does not count toward it. Last evaluated 2024-11-24.

Conditions:
Inborn genetic diseases. Identifiers: MedGen C0950123, MeSH D030342.
PCNT-related disorder. Also called: PCNT-related condition.

gnomAD v4.1: 89 of 1,605,716 alleles (0.0055%); highest among the groups gnomAD compares: South Asian, 0.089%; 1 homozygote.

Submissions (4):

Ambry Genetics
Classification: Uncertain significance for Inborn genetic diseases. Last evaluated: 2024-11-24. Review status: criteria provided, single submitter. Criteria: Ambry Variant Classification Scheme 2023. Collection method: clinical testing. Allele origin: germline.

GeneDx
Classification: Uncertain significance. Last evaluated: 2023-12-22. Review status: criteria provided, single submitter. Criteria: GeneDx Variant Classification Process June 2021. Collection method: clinical testing. Allele origin: germline. Affected: yes.
Comment: In silico analysis supports that this missense variant has a deleterious effect on protein structure/function; Missense variant in a gene in which most reported pathogenic variants are truncating/loss of function; Has not been previously published as pathogenic or benign to our knowledge

Labcorp Genetics (formerly Invitae), Labcorp
Classification: Uncertain significance. Last evaluated: 2021-10-14. Review status: criteria provided, single submitter. Criteria: Invitae Variant Classification Sherloc (09022015). Collection method: clinical testing. Allele origin: germline.
Comment: This sequence change replaces glycine with arginine at codon 2553 of the PCNT protein (p.Gly2553Arg). The glycine residue is highly conserved and there is a moderate physicochemical difference between glycine and arginine. This variant is present in population databases (rs772478708, ExAC 0.09%). This variant has not been reported in the literature in individuals affected with PCNT-related conditions. Algorithms developed to predict the effect of missense changes on protein structure and function are either unavailable or do not agree on the potential impact of this missense change (SIFT: "Deleterious"; PolyPhen-2: "Probably Damaging"; Align-GVGD: "Class C15"). In summary, the available evidence is currently insufficient to determine the role of this variant in disease. Therefore, it has been classified as a Variant of Uncertain Significance.

PreventionGenetics, part of Exact Sciences
Classification: Uncertain significance for PCNT-related condition. Last evaluated: 2024-03-07. Review status: no assertion criteria provided. Collection method: clinical testing. Allele origin: germline. Not counted in ClinVar's aggregate classification.
Comment: The PCNT c.7657G>C variant is predicted to result in the amino acid substitution p.Gly2553Arg. To our knowledge, this variant has not been reported in the literature. This variant is reported in 0.050% of alleles in individuals of South Asian descent in gnomAD. At this time, the clinical significance of this variant is uncertain due to the absence of conclusive functional and genetic evidence.

NM_006031.6(PCNT):c.7657G>C (p.Gly2553Arg)

Gene: PCNT (pericentrin; plus strand). Cytogenetic location: 21q22.3.
Variant type: single nucleotide variant.
Coding change: c.7657G>C on transcript NM_006031.6 (MANE Select); coding-DNA position 7657, G replaced by C.
Protein change: p.Gly2553Arg; replaces glycine 2553 with arginine.
Molecular consequence: missense variant.
Genome position (GRCh38, 1-based): chr21:46,428,557, G>C. VCF-style: chr21-46428557-G-C. GRCh37 (hg19) VCF-style: chr21-47848471-G-C.
Other names: c.7303G>C, p.Gly2435Arg (NM_001315529.2); c.7657G>C (NM_006031.5); short protein forms G2435R, G2553R.
Identifiers: ClinVar variation 1502430 (VCV001502430.6), dbSNP rs772478708, ClinGen allele CA10080737.